The following is an entry in ClinVar:

NM_005859.5(PURA):c.585C>T (p.Leu195=)

Gene: PURA (purine rich element binding protein A; plus strand). Cytogenetic location: 5q31.3.
Variant type: single nucleotide variant.
Coding change: c.585C>T on transcript NM_005859.5 (MANE Select); coding-DNA position 585, C replaced by T.
Protein change: p.Leu195=; no amino-acid change (leucine 195 retained).
Molecular consequence: synonymous variant.
Genome position (GRCh38, 1-based): chr5:140,114,766, C>T. VCF-style: chr5-140114766-C-T. GRCh37 (hg19) VCF-style: chr5-139494351-C-T.
Identifiers: ClinVar variation 2808075 (VCV002808075.3), dbSNP rs1581036515, ClinGen allele CA446831052.

ClinVar aggregate classification (germline): Uncertain significance (1 of 4 stars; one submission).

Conditions:
PURA-related severe neonatal hypotonia-seizures-encephalopathy syndrome (NEDRIHF). Also called: NEURODEVELOPMENTAL DISORDER WITH NEONATAL RESPIRATORY INSUFFICIENCY, HYPOTONIA, AND FEEDING DIFFICULTIES; PURA-Related Neurodevelopmental Disorders. Identifiers: Orphanet 438213, Orphanet 438216, MedGen C4015357, MONDO:1060108, OMIM 616158, MONDO:0018580.

Submission:

Labcorp Genetics (formerly Invitae), Labcorp
Classification: Uncertain significance for PURA-related severe neonatal hypotonia-seizures-encephalopathy syndrome. Last evaluated: 2025-03-27. Review status: criteria provided, single submitter. Criteria: Invitae Variant Classification Sherloc (09022015). Collection method: clinical testing. Allele origin: germline.
Comment: This sequence change affects codon 195 of the PURA mRNA. It is a 'silent' change, meaning that it does not change the encoded amino acid sequence of the PURA protein. This variant is not present in population databases (gnomAD no frequency). This variant has not been reported in the literature in individuals affected with PURA-related conditions. ClinVar contains an entry for this variant (Variation ID: 2808075). In summary, the available evidence is currently insufficient to determine the role of this variant in disease. Therefore, it has been classified as a Variant of Uncertain Significance.